The following is an entry in ClinVar:

NM_005173.4(ATP2A3):c.1305G>A (p.Glu435=)

Gene: ATP2A3 (ATPase sarcoplasmic/endoplasmic reticulum Ca2+ transporting 3; minus strand). Cytogenetic location: 17p13.2.
Variant type: single nucleotide variant.
Coding change: c.1305G>A on transcript NM_005173.4 (MANE Select); coding-DNA position 1305, G replaced by A.
Protein change: p.Glu435=; no amino-acid change (glutamic acid 435 retained).
Molecular consequence: synonymous variant.
Genome position (GRCh38, 1-based): chr17:3,943,505, C>T on the plus strand (G>A on the coding strand, the complement: ATP2A3 is on the minus strand). VCF-style: chr17-3943505-C-T. GRCh37 (hg19) VCF-style: chr17-3846799-C-T.
Other names: c.1305G>A, p.Glu435= (NM_174953.3, NM_174954.3, NM_174955.3 and 3 more transcripts).
Identifiers: ClinVar variation 4987171 (VCV004987171.1).

ClinVar aggregate classification (germline): Likely benign (1 of 4 stars; one submission).

Conditions:
ATP2A3-related disorder. Also called: ATP2A3-related condition.

gnomAD v4.1: 14 of 1,614,030 alleles (0.00087%); highest among the groups gnomAD compares: African/African-American, 0.0013%; no homozygotes.

Submission:

PreventionGenetics, part of Exact Sciences
Classification: Likely benign for ATP2A3-related condition. Last evaluated: 2026-02-04. Review status: criteria provided, single submitter. Criteria: ACMG Guidelines, 2015. Collection method: clinical testing. Allele origin: germline.
Comment: This variant is classified as likely benign based on ACMG/AMP sequence variant interpretation guidelines (Richards et al. 2015 PMID: 25741868, with internal and published modifications).